The following is an entry in ClinVar:

NM_006736.6(DNAJB2):c.820G>A (p.Ala274Thr)

Gene: DNAJB2 (DnaJ heat shock protein family (Hsp40) member B2; plus strand). Cytogenetic location: 2q35.
Variant type: single nucleotide variant.
Coding change: c.820G>A on transcript NM_006736.6 (MANE Select); coding-DNA position 820, G replaced by A.
Protein change: p.Ala274Thr; replaces alanine 274 with threonine.
Molecular consequence: missense variant.
Genome position (GRCh38, 1-based): chr2:219,284,832, G>A. VCF-style: chr2-219284832-G-A. GRCh37 (hg19) VCF-style: chr2-220149554-G-A.
Other names: c.820G>A, p.Ala274Thr (NM_001039550.2); c.820G>A (NM_006736.5); short protein forms A274T.
Identifiers: ClinVar variation 2040481 (VCV002040481.5), dbSNP rs1225090906, ClinGen allele CA350652688.

ClinVar aggregate classification (germline): Uncertain significance. Review status: criteria provided, multiple submitters, no conflicts (2 of 4 stars). 2 submissions from 2 submitters: Uncertain significance (2). Last evaluated 2026-06-04.

Conditions:
Neuronopathy, distal hereditary motor, autosomal recessive 5. Also called: NEUROPATHY, DISTAL HEREDITARY MOTOR, AUTOSOMAL RECESSIVE 5; Young adult-onset distal hereditary motor neuropathy; Spinal muscular atrophy, distal, autosomal recessive, 5. Identifiers: Orphanet 314485, Orphanet 443950, MedGen C4749918, MONDO:0013947, OMIM 614881.
DNAJB2-related disorder. Also called: DNAJB2-related condition.

Allele frequency attached by ClinVar (database versions not stated): gnomAD exomes below 0.00001.

Submissions (2):

PreventionGenetics, part of Exact Sciences
Classification: Uncertain significance for DNAJB2-related condition. Last evaluated: 2026-06-04. Review status: criteria provided, single submitter. Criteria: ACMG Guidelines, 2015. Collection method: clinical testing. Allele origin: germline.
Comment: The DNAJB2 c.820G>A variant is predicted to result in the amino acid substitution p.Ala274Thr. To our knowledge, this variant has not been reported in the literature. This variant is reported in 0.00091% of alleles in individuals of European (Non-Finnish) descent in gnomAD. At this time, the clinical significance of this variant is uncertain due to the absence of conclusive functional and genetic evidence.

Labcorp Genetics (formerly Invitae), Labcorp
Classification: Uncertain significance for Neuronopathy, distal hereditary motor, autosomal recessive 5. Last evaluated: 2022-02-23. Review status: criteria provided, single submitter. Criteria: Invitae Variant Classification Sherloc (09022015). Collection method: clinical testing. Allele origin: germline.
Comment: In summary, the available evidence is currently insufficient to determine the role of this variant in disease. Therefore, it has been classified as a Variant of Uncertain Significance. Algorithms developed to predict the effect of missense changes on protein structure and function are either unavailable or do not agree on the potential impact of this missense change (SIFT: "Tolerated"; PolyPhen-2: "Probably Damaging"; Align-GVGD: "Class C0"). This variant has not been reported in the literature in individuals affected with DNAJB2-related conditions. This variant is present in population databases (no rsID available, gnomAD 0.0009%). This sequence change replaces alanine, which is neutral and non-polar, with threonine, which is neutral and polar, at codon 274 of the DNAJB2 protein (p.Ala274Thr).